The following is an entry in ClinVar:

NM_004473.4(FOXE1):c.613C>G (p.Leu205Val)

Gene: FOXE1 (forkhead box E1; plus strand). Cytogenetic location: 9q22.33.
Variant type: single nucleotide variant.
Coding change: c.613C>G on transcript NM_004473.4 (MANE Select); coding-DNA position 613, C replaced by G.
Protein change: p.Leu205Val; replaces leucine 205 with valine.
Molecular consequence: missense variant.
Genome position (GRCh38, 1-based): chr9:97,854,527, C>G. VCF-style: chr9-97854527-C-G. GRCh37 (hg19) VCF-style: chr9-100616809-C-G.
Other names: short protein forms L205V.
Identifiers: ClinVar variation 2591027 (VCV002591027.3), dbSNP rs1425267741, ClinGen allele CA374348125.

ClinVar aggregate classification (germline): Uncertain significance. Review status: criteria provided, multiple submitters, no conflicts (2 of 4 stars). 2 submissions from 2 submitters: Uncertain significance (2). Last evaluated 2024-02-16.

Conditions:
Inborn genetic diseases. Identifiers: MedGen C0950123, MeSH D030342.

Allele frequency attached by ClinVar (database versions not stated): gnomAD exomes 0.00001; gnomAD 0.00003; TOPMed 0.00004.

Submissions (2):

GeneDx
Classification: Uncertain significance. Last evaluated: 2024-02-16. Review status: criteria provided, single submitter. Criteria: GeneDx Variant Classification Process June 2021. Collection method: clinical testing. Allele origin: germline. Affected: yes.
Comment: Has not been previously published as pathogenic or benign to our knowledge; Not observed at significant frequency in large population cohorts (gnomAD); In silico analysis supports that this missense variant does not alter protein structure/function

Ambry Genetics
Classification: Uncertain significance for Inborn genetic diseases. Last evaluated: 2023-09-12. Review status: criteria provided, single submitter. Criteria: Ambry Variant Classification Scheme 2023. Collection method: clinical testing. Allele origin: germline.